The following is an entry in ClinVar:

NM_024529.5(CDC73):c.1185A>G (p.Gln395=)

Gene: CDC73 (cell division cycle 73; plus strand). Cytogenetic location: 1q31.2.
Variant type: single nucleotide variant.
Coding change: c.1185A>G on transcript NM_024529.5 (MANE Select); coding-DNA position 1185, A replaced by G.
Protein change: p.Gln395=; no amino-acid change (glutamine 395 retained).
Molecular consequence: synonymous variant.
Genome position (GRCh38, 1-based): chr1:193,233,023, A>G. VCF-style: chr1-193233023-A-G. GRCh37 (hg19) VCF-style: chr1-193202153-A-G.
Identifiers: ClinVar variation 241491 (VCV000241491.28), dbSNP rs116358657, ClinGen allele CA1303800.

ClinVar aggregate classification (germline): Benign/Likely benign. Review status: criteria provided, multiple submitters, no conflicts (2 of 4 stars). 11 submissions from 9 submitters: Benign (7); Likely benign (4). Last evaluated 2026-02-03.

Conditions:
Hereditary cancer-predisposing syndrome. Also called: Hereditary Cancer Syndrome; Tumor predisposition; Hereditary neoplastic syndrome; Neoplastic Syndromes, Hereditary. Identifiers: Orphanet 140162, MedGen C0027672, MeSH D009386, MONDO:0015356.
Parathyroid carcinoma (PRTC). Also called: Parathyroid gland carcinoma; CDC73-Related Parathyroid Carcinoma. Identifiers: Orphanet 143, MedGen C0687150, MONDO:0012004, OMIM 608266, HP:0006780.
Hyperparathyroidism 1 (HRPT1). Also called: HYPERPARATHYROIDISM, FAMILIAL ISOLATED PRIMARY. Identifiers: Orphanet 99879, MedGen C1840402, MONDO:0007767, OMIM 145000.
Hyperparathyroidism 2 with jaw tumors. Also called: Hyperparathyroidism 2; HYPERPARATHYROIDISM, FAMILIAL PRIMARY, WITH MULTIPLE OSSIFYING JAW FIBROMAS; HYPERPARATHYROIDISM-JAW TUMOR SYNDROME, HEREDITARY; Hyperparathyroidism-Jaw Tumor Syndrome. Identifiers: Orphanet 99880, MedGen C1704981, MONDO:0007768, OMIM 145001.

Allele frequency attached by ClinVar (database versions not stated): TOPMed 0.00536; ESP Exome Variant Server 0.00561; 1000 Genomes Project 0.00759; 1000 Genomes Project 30x 0.00796; gnomAD exomes 0.00048 and 0.00116; ExAC 0.00158; gnomAD 0.00469 and 0.00511.
gnomAD v4.1: 1,455 of 1,614,002 alleles (0.09%); highest among the groups gnomAD compares: African/African-American, 1.7%; 9 homozygotes.

Submissions (11):

Labcorp Genetics (formerly Invitae), Labcorp
Classification: Benign for Parathyroid carcinoma. Last evaluated: 2026-02-03. Review status: criteria provided, single submitter. Criteria: Invitae Variant Classification Sherloc (09022015). Collection method: clinical testing. Allele origin: germline.

Blueprint Genetics
Classification: Likely benign. Last evaluated: 2024-09-11. Review status: criteria provided, single submitter. Criteria: ACMG Guidelines, 2015. Collection method: clinical testing. Allele origin: germline.

KCCC/NGS Laboratory, Kuwait Cancer Control Center
Classification: Benign for Hyperparathyroidism 2 with jaw tumors. Last evaluated: 2023-07-07. Review status: criteria provided, single submitter. Criteria: ACMG Guidelines, 2015. Collection method: clinical testing. Allele origin: germline. Affected: yes.

Genetic Services Laboratory, University of Chicago
Classification: Benign. Last evaluated: 2021-04-02. Review status: criteria provided, single submitter. Criteria: ACMG Guidelines, 2015. Collection method: clinical testing. Allele origin: germline. Affected: no.

Ambry Genetics
Classification: Likely benign for Hereditary cancer-predisposing syndrome. Last evaluated: 2018-10-01. Review status: criteria provided, single submitter. Criteria: Ambry Variant Classification Scheme 2023. Collection method: clinical testing. Allele origin: germline.

GeneDx
Classification: Benign. Last evaluated: 2018-09-17. Review status: criteria provided, single submitter. Criteria: GeneDx Variant Classification Process June 2021. Collection method: clinical testing. Allele origin: germline. Affected: yes.
Comment: This variant is associated with the following publications: (PMID: 20052758)

Illumina Laboratory Services, Illumina
Classification: Likely benign for Hyperparathyroidism 1. Last evaluated: 2018-01-13. Review status: criteria provided, single submitter. Criteria: ICSL Variant Classification Criteria 13 December 2019. Collection method: clinical testing. Allele origin: germline.
Comment: This variant was observed in the ICSL laboratory as part of a predisposition screen in an ostensibly healthy population. It had not been previously curated by ICSL or reported in the Human Gene Mutation Database (HGMD: prior to June 1st, 2018), and was therefore a candidate for classification through an automated scoring system. Utilizing variant allele frequency, disease prevalence and penetrance estimates, and inheritance mode, an automated score was calculated to assess if this variant is too frequent to cause the disease. Based on the score and internal cut-off values, a variant classified as likely benign is not then subjected to further curation. The score for this variant resulted in a classification of likely benign for this disease.

Illumina Laboratory Services, Illumina
Classification: Benign for Parathyroid carcinoma. Last evaluated: 2018-01-13. Review status: criteria provided, single submitter. Criteria: ICSL Variant Classification Criteria 13 December 2019. Collection method: clinical testing. Allele origin: germline.
Comment: This variant was observed in the ICSL laboratory as part of a predisposition screen in an ostensibly healthy population. It had not been previously curated by ICSL or reported in the Human Gene Mutation Database (HGMD: prior to June 1st, 2018), and was therefore a candidate for classification through an automated scoring system. Utilizing variant allele frequency, disease prevalence and penetrance estimates, and inheritance mode, an automated score was calculated to assess if this variant is too frequent to cause the disease. Based on the score and internal cut-off values, a variant classified as benign is not then subjected to further curation. The score for this variant resulted in a classification of benign for this disease.

Illumina Laboratory Services, Illumina
Classification: Benign for Hyperparathyroidism 2 with jaw tumors. Last evaluated: 2018-01-13. Review status: criteria provided, single submitter. Criteria: ICSL Variant Classification Criteria 13 December 2019. Collection method: clinical testing. Allele origin: germline.
Comment: the same text as in the submission from Illumina Laboratory Services, Illumina above.

Women's Health and Genetics/Laboratory Corporation of America, LabCorp
Classification: Benign. Last evaluated: 2016-04-28. Review status: criteria provided, single submitter. Criteria: LabCorp Variant Classification Summary - May 2015. Collection method: clinical testing. Allele origin: germline.
Comment: Variant summary: The c.1185A>G in CDC73 gene is a synonymous change that involves a non-conserved nucleotide. 5/5 splice-site tools in Alamut predict that this variant does not affect normal splicing, however no functional studies supporting this notion were published at the time of evaluation. The variant is present in the control population dataset of ExAC at frequency of 0.16%, predominantly in individuals of African descent (1.7%), including one homozygote. The observed frequency greatly exceeds the maximum expected allele frequency for a pathogenic variant of 0.00041%, suggesting that it is a benign polymorphism. The variant of interest has been reported polymorphism in published report(s) (Newey, 2010). Taken together, based on the prevalence in general population the variant was classified as Benign.

Breakthrough Genomics
Classification: Likely benign. Review status: criteria provided, single submitter. Criteria: ACMG Guidelines, 2015. Collection method: not provided. Allele origin: germline. Inheritance: Autosomal dominant inheritance. Affected: yes.

Literature cited by the submitters: PubMed 20052758 (cited by Women's Health and Genetics/Laboratory Corporation of America, LabCorp).